The following is an entry in ClinVar:

NM_058246.4(DNAJB6):c.-86G>A

Gene: DNAJB6 (DnaJ heat shock protein family (Hsp40) member B6; plus strand). Cytogenetic location: 7q36.3.
Variant type: single nucleotide variant.
Coding change: c.-86G>A on transcript NM_058246.4 (MANE Select); 86 bases upstream of the start codon, G replaced by A.
Molecular consequence: 5 prime UTR variant.
Genome position (GRCh38, 1-based): chr7:157,337,085, G>A. VCF-style: chr7-157337085-G-A. GRCh37 (hg19) VCF-style: chr7-157129779-G-A.
Other names: c.-86G>A (NM_001363676.1, NM_005494.3).
Identifiers: ClinVar variation 359448 (VCV000359448.7), dbSNP rs562984002, ClinGen allele CA10628583.
Genomic context (GRCh38, chr7:157,337,085, plus strand): 5'-AGAGAAAGGAAAGCGCGAGGAGCCGCCGCCACCACCAGCGCAGCAGTCCTGGAGCTGTGA[G>A]GAGATTCGGGCCGTCACCCTGCCTCCCCTGCGTCCCGCCACCGGCCGCTTCTGTCCTCGG-3'

ClinVar aggregate classification (germline): Benign/Likely benign. Review status: criteria provided, multiple submitters, no conflicts (2 of 4 stars). 2 submissions from 2 submitters: Benign (1); Likely benign (1). Last evaluated 2021-05-26.

Conditions:
Autosomal dominant limb-girdle muscular dystrophy type 1D (DNAJB6) (LGMDD1). Also called: MUSCULAR DYSTROPHY, LIMB-GIRDLE, TYPE 1D; MUSCULAR DYSTROPHY, AUTOSOMAL DOMINANT, WITH RIMMED VACUOLES; Autosomal dominant limb-girdle muscular dystrophy type 1D; Muscular dystrophy, limb-girdle, autosomal dominant 1. Identifiers: Orphanet 34516, MedGen C4721885, MONDO:0021018, OMIM 603511.

Allele frequency attached by ClinVar (database versions not stated): 1000 Genomes Project 0.00519; gnomAD 0.00615 and 0.00659; 1000 Genomes Project 30x 0.00625; TOPMed 0.00683.

Submissions (2):

GeneDx
Classification: Likely benign. Last evaluated: 2021-05-26. Review status: criteria provided, single submitter. Criteria: GeneDx Variant Classification Process June 2021. Collection method: clinical testing. Allele origin: germline. Affected: yes.

Illumina Laboratory Services, Illumina
Classification: Benign for Autosomal dominant limb-girdle muscular dystrophy type 1D (DNAJB6). Last evaluated: 2018-01-13. Review status: criteria provided, single submitter. Criteria: ICSL Variant Classification Criteria 13 December 2019. Collection method: clinical testing. Allele origin: germline.
Comment: This variant was observed in the ICSL laboratory as part of a predisposition screen in an ostensibly healthy population. It had not been previously curated by ICSL or reported in the Human Gene Mutation Database (HGMD: prior to June 1st, 2018), and was therefore a candidate for classification through an automated scoring system. Utilizing variant allele frequency, disease prevalence and penetrance estimates, and inheritance mode, an automated score was calculated to assess if this variant is too frequent to cause the disease. Based on the score and internal cut-off values, a variant classified as benign is not then subjected to further curation. The score for this variant resulted in a classification of benign for this disease.